The following is an entry in ClinVar:

ClinVar aggregate classification (germline): Conflicting classifications of pathogenicity. Review status: criteria provided, conflicting classifications (1 of 4 stars). 4 submissions from 4 submitters: Uncertain significance (3); Benign (1). Last evaluated 2024-10-17.

Conditions:
Inborn genetic diseases. Identifiers: MedGen C0950123, MeSH D030342.

Allele frequency attached by ClinVar (database versions not stated): gnomAD exomes below 0.00001; ExAC 0.00001; gnomAD 0.00002 and 0.00003; TOPMed 0.00005; 1000 Genomes Project 30x 0.00016; 1000 Genomes Project 0.00020.

Submissions (4):

Labcorp Genetics (formerly Invitae), Labcorp
Classification: Benign. Last evaluated: 2024-10-17. Review status: criteria provided, single submitter. Criteria: Invitae Variant Classification Sherloc (09022015). Collection method: clinical testing. Allele origin: germline.

GeneDx
Classification: Uncertain significance. Last evaluated: 2023-03-24. Review status: criteria provided, single submitter. Criteria: GeneDx Variant Classification Process June 2021. Collection method: clinical testing. Allele origin: germline. Affected: yes.
Comment: In silico analysis supports that this missense variant does not alter protein structure/function; Has not been previously published as pathogenic or benign to our knowledge

Ambry Genetics
Classification: Uncertain significance for Inborn genetic diseases. Last evaluated: 2022-10-12. Review status: criteria provided, single submitter. Criteria: Ambry Variant Classification Scheme 2023. Collection method: clinical testing. Allele origin: germline.

CeGaT Center for Human Genetics Tuebingen
Classification: Uncertain significance. Last evaluated: 2016-06-01. Review status: criteria provided, single submitter. Criteria: CeGaT Center For Human Genetics Tuebingen Variant Classification Criteria Version 2. Collection method: clinical testing. Allele origin: germline. Affected: yes. Observed: 1 variant allele.

NM_001844.5(COL2A1):c.3898A>G (p.Ile1300Val)

Gene: COL2A1 (collagen type II alpha 1 chain; minus strand). Cytogenetic location: 12q13.11.
Variant type: single nucleotide variant.
Coding change: c.3898A>G on transcript NM_001844.5 (MANE Select); coding-DNA position 3898, A replaced by G.
Protein change: p.Ile1300Val; replaces isoleucine 1300 with valine.
Molecular consequence: missense variant.
Genome position (GRCh38, 1-based): chr12:47,974,851, T>C on the plus strand (A>G on the coding strand, the complement: COL2A1 is on the minus strand). VCF-style: chr12-47974851-T-C. GRCh37 (hg19) VCF-style: chr12-48368634-T-C.
Other names: c.3691A>G, p.Ile1231Val (NM_033150.3); c.3898A>G (NM_001844.4); short protein forms I1300V, I1231V.
Identifiers: ClinVar variation 806871 (VCV000806871.48), dbSNP rs556788032, ClinGen allele CA6534603.